The following is an entry in ClinVar:

ClinVar aggregate classification (germline): Uncertain significance (1 of 4 stars; one submission).

Conditions:
Inborn genetic diseases. Identifiers: MedGen C0950123, MeSH D030342.

Allele frequency attached by ClinVar (database versions not stated): gnomAD exomes below 0.00001.
gnomAD v4.1: 1 of 1,611,074 alleles (0.000062%); highest among the groups gnomAD compares: African/African-American, 0.0013%; no homozygotes.

Submission:

Ambry Genetics
Classification: Uncertain significance for Inborn genetic diseases. Last evaluated: 2024-01-02. Review status: criteria provided, single submitter. Criteria: Ambry Variant Classification Scheme 2023. Collection method: clinical testing. Allele origin: germline.
Comment: The c.620G>T (p.R207L) alteration is located in exon 5 (coding exon 5) of the SLC12A6 gene. This alteration results from a G to T substitution at nucleotide position 620, causing the arginine (R) at amino acid position 207 to be replaced by a leucine (L). This variant was not reported in population-based cohorts in the Genome Aggregation Database (gnomAD). Another alteration at the same codon, c.620G>A (p.R207H), has been detected in the heterozygous state including multiple de novo occurrences in individuals with features consistent with autosomal dominant SLC12A6-related peripheral motor neuropathy, and functional and structural evidence supporting pathogenicity (Shi, 2021; Park, 2020; Ambry internal data). A third alteration at the same codon, SLC12A6 p.R207C c.619C>T, has been detected in the homozygous state in an individual with features consistent with autosomal recessive SLC12A6-related agenesis of the corpus callosum with peripheral neuropathy, and was inherited from affected unaffected parents (Uyanik, 2006). This amino acid position is highly conserved in available vertebrate species. This alteration is predicted to be deleterious by in silico analysis. Based on insufficient or conflicting evidence, the clinical significance of this alteration remains unclear.

Literature cited by the submitters: PubMed 16606917; PubMed 31439721; PubMed 33323309.

NM_001365088.1(SLC12A6):c.620G>T (p.Arg207Leu)

Genes: SLC12A6 (solute carrier family 12 member 6; minus strand), LOC129390683 (MPRA-validated peak2292 silencer; plus strand). Cytogenetic location: 15q14.
Variant type: single nucleotide variant.
Coding change: c.620G>T on transcript NM_001365088.1 (MANE Select); coding-DNA position 620, G replaced by T.
Protein change: p.Arg207Leu; replaces arginine 207 with leucine.
Molecular consequence: missense variant.
Genome position (GRCh38, 1-based): chr15:34,257,712, C>A on the plus strand (G>T on the coding strand, the complement: SLC12A6 is on the minus strand). VCF-style: chr15-34257712-C-A. GRCh37 (hg19) VCF-style: chr15-34549913-C-A.
Other names: c.443G>T, p.Arg148Leu (NM_001042494.2, NM_001042495.2); c.593G>T, p.Arg198Leu (NM_001042496.2); c.575G>T, p.Arg192Leu (NM_001042497.2); c.467G>T, p.Arg156Leu (NM_005135.2); c.620G>T, p.Arg207Leu (NM_133647.2); short protein forms R148L, R192L, R207L, R156L, R198L.
Identifiers: ClinVar variation 3162876 (VCV003162876.1), dbSNP rs1555381416, ClinGen allele CA391612743.